The following is an entry in ClinVar:

ClinVar aggregate classification (germline): Uncertain significance (1 of 4 stars; one submission).

Allele frequency attached by ClinVar (database versions not stated): ExAC 0.00001; gnomAD exomes 0.00001; gnomAD 0.00002; TOPMed 0.00003; 1000 Genomes Project 30x 0.00016; 1000 Genomes Project 0.00020.

Submission:

Labcorp Genetics (formerly Invitae), Labcorp
Classification: Uncertain significance. Last evaluated: 2025-01-27. Review status: criteria provided, single submitter. Criteria: Invitae Variant Classification Sherloc (09022015). Collection method: clinical testing. Allele origin: germline.
Comment: This sequence change falls in intron 14 of the ERCC6L2 gene. It does not directly change the encoded amino acid sequence of the ERCC6L2 protein. It affects a nucleotide within the consensus splice site. This variant is present in population databases (rs529034267, gnomAD 0.01%). This variant has not been reported in the literature in individuals affected with ERCC6L2-related conditions. ClinVar contains an entry for this variant (Variation ID: 1357027). Variants that disrupt the consensus splice site are a relatively common cause of aberrant splicing (PMID: 17576681, 9536098). Algorithms developed to predict the effect of sequence changes on RNA splicing suggest that this variant may disrupt the consensus splice site. In summary, the available evidence is currently insufficient to determine the role of this variant in disease. Therefore, it has been classified as a Variant of Uncertain Significance.

Literature cited by the submitters: PubMed 17576681; PubMed 9536098.

NM_020207.7(ERCC6L2):c.2100+5G>C

Gene: ERCC6L2 (ERCC excision repair 6 like 2; plus strand). Cytogenetic location: 9q22.32.
Variant type: single nucleotide variant.
Coding change: c.2100+5G>C on transcript NM_020207.7 (MANE Select); 5 bases into the intron after coding-DNA position 2100, G replaced by C.
Molecular consequence: intron variant. On other transcripts: stop lost (1).
Genome position (GRCh38, 1-based): chr9:95,966,719, G>C. VCF-style: chr9-95966719-G-C. GRCh37 (hg19) VCF-style: chr9-98729001-G-C.
Other names: c.2105G>C, p.Ter702Ser (NM_001010895.4); c.2100+5G>C (NM_001375291.1, NM_001375292.1, NM_001375294.1 and 1 more transcripts).
Identifiers: ClinVar variation 1357027 (VCV001357027.6), dbSNP rs529034267, ClinGen allele CA5139790.